The following is an entry in ClinVar:

ClinVar aggregate classification (germline): Likely pathogenic. Review status: reviewed by expert panel (3 of 4 stars). 5 submissions from 5 submitters: Likely pathogenic (1). 4 of the submissions do not count toward it. Last evaluated 2024-12-12.

Conditions:
RPE65-related recessive retinopathy. Also called: Recessive RPE65 retinopathy. Identifiers: MedGen CN305526, MONDO:0100368.
Leber congenital amaurosis 2 (LCA2). Also called: AMAUROSIS CONGENITA OF LEBER II; Autosomal Recessive RPE65-Related Retinal Degeneration. Identifiers: Orphanet 65, MedGen C1859844, MONDO:0008765, OMIM 204100. Disease mechanism: loss of function.
Retinitis pigmentosa 20 (RP20). Identifiers: Orphanet 791, MedGen C3151086, MONDO:0013425, OMIM 613794.
Leber congenital amaurosis (LCA). Also called: Leber's amaurosis. Identifiers: Orphanet 65, MedGen C0339527, MeSH D057130, MONDO:0018998.

Allele frequency attached by ClinVar (database versions not stated): ExAC 0.00001; gnomAD 0.00001 and 0.00003; gnomAD exomes 0.00001 and 0.00002; TOPMed 0.00001.
gnomAD v4.1: 12 of 1,613,742 alleles (0.00074%); highest among the groups gnomAD compares: South Asian, 0.0077%; no homozygotes.

Submissions (5):

ClinGen Leber Congenital Amaurosis/early Onset Retinal Dystrophy Variant Curation Expert Panel, ClinGen
Classification: Likely pathogenic for RPE65-related recessive retinopathy. Last evaluated: 2024-12-12. Review status: reviewed by expert panel. Criteria: ClinGen LCAeoRD ACMG Specifications RPE65 V1.0.0. Collection method: curation. Allele origin: germline. Inheritance: Autosomal recessive inheritance.
Comment: NM_000329.3(RPE65):c.124C>T is a missense variant that replaces leucine with phenylalanine at position 42. This variant is present in gnomAD v.4.1.0 at a Grpmax allele frequency of 0.00003588, with 7 alleles / 91068 total alleles in the South Asian population, which is lower than the ClinGen LCA/eoRD VCEP PM2_Supporting threshold of <0.0002 (PM2_Supporting). This variant has been reported in at least 2 probands with early-onset severe retinal dystrophy who were compound heterozygous with either the NM_000329.3(RPE65):c.130C>T (p.Arg44Ter) variant (PMID: 30996589) or the NM_000329.3(RPE65):c.495+1dup variant (VCEP member-provided data) suspected in trans, both of which were previously classified pathogenic by the ClinGen LCA/eoRD VCEP (1 total point, PM3). At least one proband harboring this variant exhibits a phenotype including diagnosis of Leber congenital amaurosis (0.5 pts) with onset in the first few months of life (1 pt), genotyping by targeted exome sequencing focused on 194 IRD genes without identifying an alternative basis for disease (2 points), poor vision limited to hand movement (1 pt), nystagmus (1 pt), maculopathy (0.5 pts), peripheral hyperpigmentation, and retinal vascular attenuation (0.5 pts), which together are specific for RPE65-related recessive retinopathy (total 6.5 points, PMID: 30996589, PP4). The computational predictor REVEL gives a score of 0.879, which is above the ClinGen LCA/eoRD VCEP threshold of ≥0.773 and predicts a damaging effect on RPE65 function (PP3_Moderate). The splicing impact predictor SpliceAI gives a score of 0.01 for acceptor gain, which is below the ClinGen LCA/eoRD VCEP recommended threshold of ≥0.2 and does not strongly predict an impact on splicing. A molecular dynamics and simulation-based model of the variant predicts that the variant would destabilize the structure of RPE65 (PMID: 32072079). However, this is not currently an approved form of functional evidence, so the PS3_Supporting code is not met. In summary, this variant meets the criteria to be classified as Likely Pathogenic for RPE65-related recessive retinopathy based on the ACMG/AMP criteria applied, as specified by the ClinGen LCA/eoRD VCEP: PM2_supporting, PM3, PP3_Moderate, and PP4. (VCEP specifications version 1.0.0; date of approval 09/21/2023).

Institute of Medical Genetics and Applied Genomics, University Hospital Tübingen
Classification: Likely pathogenic for Retinitis pigmentosa 20. Last evaluated: 2024-05-23. Review status: criteria provided, single submitter. Criteria: ACMG Guidelines, 2015. Collection method: clinical testing. Allele origin: germline. Inheritance: Autosomal recessive inheritance. Affected: yes. Not counted in ClinVar's aggregate classification.

Labcorp Genetics (formerly Invitae), Labcorp
Classification: Uncertain significance for Leber congenital amaurosis 2; Retinitis pigmentosa 20. Last evaluated: 2022-08-06. Review status: criteria provided, single submitter. Criteria: Invitae Variant Classification Sherloc (09022015). Collection method: clinical testing. Allele origin: germline. Not counted in ClinVar's aggregate classification.
Comment: This sequence change replaces leucine, which is neutral and non-polar, with phenylalanine, which is neutral and non-polar, at codon 42 of the RPE65 protein (p.Leu42Phe). This variant is present in population databases (rs750724065, gnomAD 0.01%). This missense change has been observed in individual(s) with Leber congenital amaurosis (PMID: 30996589). ClinVar contains an entry for this variant (Variation ID: 968598). Advanced modeling of protein sequence and biophysical properties (such as structural, functional, and spatial information, amino acid conservation, physicochemical variation, residue mobility, and thermodynamic stability) performed at Invitae indicates that this missense variant is expected to disrupt RPE65 protein function. In summary, the available evidence is currently insufficient to determine the role of this variant in disease. Therefore, it has been classified as a Variant of Uncertain Significance.

GeneDx
Classification: Uncertain significance. Last evaluated: 2019-07-05. Review status: criteria provided, single submitter. Criteria: GeneDx Variant Classification Process June 2021. Collection method: clinical testing. Allele origin: germline. Affected: yes. Not counted in ClinVar's aggregate classification.
Comment: In silico analysis, which includes protein predictors and evolutionary conservation, supports that this variant does not alter protein structure/function; This variant is associated with the following publications: (PMID: 30996589, 32072079)

Natera, Inc.
Classification: Uncertain significance for Leber congenital amaurosis. Last evaluated: 2020-03-10. Review status: no assertion criteria provided. Collection method: clinical testing. Allele origin: germline. Not counted in ClinVar's aggregate classification.

Literature cited by the submitters: PubMed 30996589 (cited by Labcorp Genetics (formerly Invitae), Labcorp).

NM_000329.3(RPE65):c.124C>T (p.Leu42Phe)

Gene: RPE65 (retinoid isomerohydrolase RPE65; minus strand). Cytogenetic location: 1p31.3.
Variant type: single nucleotide variant.
Coding change: c.124C>T on transcript NM_000329.3 (MANE Select); coding-DNA position 124, C replaced by T.
Protein change: p.Leu42Phe; replaces leucine 42 with phenylalanine.
Molecular consequence: missense variant.
Genome position (GRCh38, 1-based): chr1:68,446,831, G>A on the plus strand (C>T on the coding strand, the complement: RPE65 is on the minus strand). VCF-style: chr1-68446831-G-A. GRCh37 (hg19) VCF-style: chr1-68912514-G-A.
Other names: NM_000329.3(RPE65):c.124C>T; p.Leu42Phe; short protein forms L42F.
Identifiers: ClinVar variation 968598 (VCV000968598.12), dbSNP rs750724065, ClinGen allele CA902590.